The following is an entry in ClinVar:

NM_000020.3(ACVRL1):c.1199C>T (p.Ala400Val)

Gene: ACVRL1 (activin A receptor like type 1; plus strand). Cytogenetic location: 12q13.13.
Variant type: single nucleotide variant.
Coding change: c.1199C>T on transcript NM_000020.3 (MANE Select); coding-DNA position 1199, C replaced by T.
Protein change: p.Ala400Val; replaces alanine 400 with valine.
Molecular consequence: missense variant. On other transcripts: intron variant (1).
Genome position (GRCh38, 1-based): chr12:51,916,186, C>T. VCF-style: chr12-51916186-C-T. GRCh37 (hg19) VCF-style: chr12-52309970-C-T.
Other names: c.1199C>T, p.Ala400Val (NM_001077401.2, NM_001406487.1, NM_001406488.1 and 1 more transcripts); c.887C>T, p.Ala296Val (NM_001406490.1, NM_001406491.1, NM_001406492.1 and 1 more transcripts); c.635C>T, p.Ala212Val (NM_001406495.1); c.736+686C>T (NM_001406494.1); short protein forms A212V, A296V, A400V.
Identifiers: ClinVar variation 2910313 (VCV002910313.5), dbSNP rs2139076990, ClinGen allele CA384902904.

ClinVar aggregate classification (germline): Pathogenic/Likely pathogenic. Review status: criteria provided, multiple submitters, no conflicts (2 of 4 stars). 3 submissions from 3 submitters: Pathogenic (1); Likely pathogenic (2). Last evaluated 2025-12-04.

Conditions:
Telangiectasia, hereditary hemorrhagic, type 2 (HHT2). Also called: Telangiectasia, hereditary hemorrhagic, type II; ACVRL1-Related Hereditary Hemorrhagic Telangiectasia. Identifiers: Orphanet 774, MedGen C1838163, MONDO:0010880, OMIM 600376. Disease mechanism: loss of function.
ACVRL1-related disorder. Also called: ACVRL1-related disorders; ACVRL1-related condition.

Submissions (3):

Department of Human Genetics, Hannover Medical School
Classification: Likely pathogenic for Telangiectasia, hereditary hemorrhagic, type 2. Last evaluated: 2025-12-04. Review status: criteria provided, single submitter. Criteria: ACMG Guidelines, 2015. Collection method: clinical testing. Allele origin: germline. Affected: yes.
Comment: PM2_Supporting, PM5, PP3, PP4_Moderate

Labcorp Genetics (formerly Invitae), Labcorp
Classification: Pathogenic for Telangiectasia, hereditary hemorrhagic, type 2. Last evaluated: 2025-09-16. Review status: criteria provided, single submitter. Criteria: Invitae Variant Classification Sherloc (09022015). Collection method: clinical testing. Allele origin: germline.
Comment: This sequence change replaces alanine, which is neutral and non-polar, with valine, which is neutral and non-polar, at codon 400 of the ACVRL1 protein (p.Ala400Val). This variant is not present in population databases (gnomAD no frequency). This missense change has been observed in individuals with ACVRL1-related conditions (PMID: 25970827, 29631995). ClinVar contains an entry for this variant (Variation ID: 2910313). Invitae Evidence Modeling of protein sequence and biophysical properties (such as structural, functional, and spatial information, amino acid conservation, physicochemical variation, residue mobility, and thermodynamic stability) indicates that this missense variant is expected to disrupt ACVRL1 protein function with a positive predictive value of 95%. This variant disrupts the p.Ala400 amino acid residue in ACVRL1. Other variant(s) that disrupt this residue have been determined to be pathogenic (PMID: 20414677, 30578397; internal data). This suggests that this residue is clinically significant, and that variants that disrupt this residue are likely to be disease-causing. For these reasons, this variant has been classified as Pathogenic.

Blueprint Genetics
Classification: Likely pathogenic for ACVRL1-related disorders. Last evaluated: 2024-07-29. Review status: criteria provided, single submitter. Criteria: ACMG Guidelines, 2015. Collection method: clinical testing. Allele origin: germline. Affected: yes. Observed: 3 variant alleles.

Literature cited by the submitters: PubMed 25970827 (cited by Labcorp Genetics (formerly Invitae), Labcorp); PubMed 29631995 (cited by Labcorp Genetics (formerly Invitae), Labcorp); PubMed 20414677 (cited by Labcorp Genetics (formerly Invitae), Labcorp); PubMed 30578397 (cited by Labcorp Genetics (formerly Invitae), Labcorp).